The following is an entry in ClinVar:

ClinVar aggregate classification (germline): Conflicting classifications of pathogenicity. Review status: criteria provided, conflicting classifications (1 of 4 stars). 3 submissions from 3 submitters: Uncertain significance (1); Likely benign (2). Last evaluated 2024-11-19.

Conditions:
Factor V and factor VIII, combined deficiency of, type 1. Also called: Combined factor V and VIII deficiency; FAMILIAL MULTIPLE COAGULATION FACTOR DEFICIENCY I; MULTIPLE COAGULATION FACTOR DEFICIENCY I; FMFD I. Identifiers: Orphanet 35909, MedGen C4551981, MONDO:0009206, OMIM 227300.

Allele frequency attached by ClinVar (database versions not stated): gnomAD exomes 0.00039 and 0.00084; ExAC 0.00046; gnomAD 0.00050; TOPMed 0.00055; ESP Exome Variant Server 0.00069.

Submissions (3):

Blueprint Genetics
Classification: Likely benign. Last evaluated: 2024-11-19. Review status: criteria provided, single submitter. Criteria: ACMG Guidelines, 2015. Collection method: clinical testing. Allele origin: germline.

CeGaT Center for Human Genetics Tuebingen
Classification: Likely benign. Last evaluated: 2022-07-01. Review status: criteria provided, single submitter. Criteria: CeGaT Center For Human Genetics Tuebingen Variant Classification Criteria Version 2. Collection method: clinical testing. Allele origin: germline. Affected: yes. Observed: 1 variant allele.
Comment: LMAN1: BP4, BP7

Illumina Laboratory Services, Illumina
Classification: Uncertain significance for Factor V and factor VIII, combined deficiency of, type 1. Last evaluated: 2018-01-13. Review status: criteria provided, single submitter. Criteria: ICSL Variant Classification Criteria 13 December 2019. Collection method: clinical testing. Allele origin: germline.

NM_005570.4(LMAN1):c.1392G>A (p.Pro464=)

Gene: LMAN1 (lectin, mannose binding 1; minus strand). Cytogenetic location: 18q21.32.
Variant type: single nucleotide variant.
Coding change: c.1392G>A on transcript NM_005570.4 (MANE Select); coding-DNA position 1392, G replaced by A.
Protein change: p.Pro464=; no amino-acid change (proline 464 retained).
Molecular consequence: synonymous variant.
Genome position (GRCh38, 1-based): chr18:59,331,522, C>T on the plus strand (G>A on the coding strand, the complement: LMAN1 is on the minus strand). VCF-style: chr18-59331522-C-T. GRCh37 (hg19) VCF-style: chr18-56998754-C-T.
Identifiers: ClinVar variation 327568 (VCV000327568.30), dbSNP rs149932943, ClinGen allele CA8979626.